The following is an entry in ClinVar:

NM_000435.3(NOTCH3):c.2054C>T (p.Pro685Leu)

Gene: NOTCH3 (notch receptor 3; minus strand). Cytogenetic location: 19p13.12.
Variant type: single nucleotide variant.
Coding change: c.2054C>T on transcript NM_000435.3 (MANE Select); coding-DNA position 2054, C replaced by T.
Protein change: p.Pro685Leu; replaces proline 685 with leucine.
Molecular consequence: missense variant.
Genome position (GRCh38, 1-based): chr19:15,185,577, G>A on the plus strand (C>T on the coding strand, the complement: NOTCH3 is on the minus strand). VCF-style: chr19-15185577-G-A. GRCh37 (hg19) VCF-style: chr19-15296388-G-A.
Other names: short protein forms P685L.
Identifiers: ClinVar variation 1032357 (VCV001032357.4), dbSNP rs768867865, ClinGen allele CA9263455.

ClinVar aggregate classification (germline): Uncertain significance. Review status: criteria provided, multiple submitters, no conflicts (2 of 4 stars). 3 submissions from 3 submitters: Uncertain significance (3). Last evaluated 2021-05-18.

Conditions:
Cerebral arteriopathy, autosomal dominant, with subcortical infarcts and leukoencephalopathy, type 1 (CADASIL1). Also called: Cerebral arteriopathy with subcortical infarcts and leukoencephalopathy 1; CADASIL 1; CASIL; DEMENTIA, HEREDITARY MULTIINFARCT TYPE. Identifiers: Orphanet 136, MedGen C4551768, MONDO:0000914, OMIM 125310.

Allele frequency attached by ClinVar (database versions not stated): gnomAD exomes 0.00003 and 0.00002; gnomAD 0.00001; ExAC 0.00002.
gnomAD v4.1: 45 of 1,613,578 alleles (0.0028%); highest among the groups gnomAD compares: Non-Finnish European, 0.0036%; no homozygotes.

Submissions (3):

Athena Diagnostics
Classification: Uncertain significance. Last evaluated: 2021-05-18. Review status: criteria provided, single submitter. Criteria: Athena Diagnostics Criteria. Collection method: clinical testing. Allele origin: unknown.

Genetics and Molecular Pathology, SA Pathology
Classification: Uncertain significance for Cerebral arteriopathy, autosomal dominant, with subcortical infarcts and leukoencephalopathy, type 1. Last evaluated: 2019-10-02. Review status: criteria provided, single submitter. Criteria: ACMG Guidelines, 2015. Collection method: clinical testing. Allele origin: germline. Affected: yes.
Comment: Cocho et al. (2011 PMID: 21345538) detected the 2031C>A p.Pro685Thr variant in an affected individual. The authors did not consider the variant causative of CADASIL as it did not affect a cysteine residue however; they noted that non cysteine variants may also be causative of disease.

Baylor Genetics
Classification: Uncertain significance for Cerebral arteriopathy, autosomal dominant, with subcortical infarcts and leukoencephalopathy, type 1. Last evaluated: 2018-12-15. Review status: criteria provided, single submitter. Criteria: ACMG Guidelines, 2015. Collection method: clinical testing. Allele origin: paternal. Affected: yes.
Comment: This variant was determined to be of uncertain significance according to ACMG Guidelines, 2015 [PMID:25741868].

Literature cited by the submitters: PubMed 21345538 (cited by Genetics and Molecular Pathology, SA Pathology).